The following is an entry in ClinVar:

NM_001165963.4(SCN1A):c.5877_5879del (p.Met1959del)

Genes: SCN1A (sodium voltage-gated channel alpha subunit 1; minus strand), LOC102724058 (uncharacterized LOC102724058; plus strand). Cytogenetic location: 2q24.3.
Variant type: Deletion.
Coding change: c.5877_5879del on transcript NM_001165963.4 (MANE Select); coding-DNA positions 5877 to 5879, 3 bases deleted (GAT; older notation c.5877_5879delGAT).
Protein change: p.Met1959del; deletes methionine 1959.
Molecular consequence: inframe deletion. On other transcripts: non-coding transcript variant (1).
Genome position (GRCh38, 1-based): chr2:165,991,396-165,991,398, ATC deleted on the plus strand (GAT on the coding strand, the reverse complement: SCN1A is on the minus strand); deleting any 3 consecutive bases within chr2:165,991,396-165,991,400 gives the same sequence; the c. name uses the placement nearest the transcript's 3' end. VCF-style (leftmost placement, unchanged base first): chr2-165991395-TATC-T. GRCh37 (hg19) VCF-style: chr2-166847905-TATC-T.
Other names: c.5793_5795del, p.Met1931del (NM_001165964.3, NM_001353957.2, NM_001353958.2); c.5877_5879del, p.Met1959del (NM_001202435.3, NM_001353948.2); c.5844_5846del, p.Met1948del (NM_001353949.2, NM_001353950.2, NM_001353951.2 and 2 more transcripts); c.5841_5843del, p.Met1947del (NM_001353954.2, NM_001353955.2); c.5790_5792del, p.Met1930del (NM_001353960.2); c.3435_3437del, p.Met1145del (NM_001353961.2); short protein forms M1145del, M1930del, M1931del, M1947del, M1948del, M1959del.
Identifiers: ClinVar variation 1313918 (VCV001313918.4), dbSNP rs2105421697, ClinGen allele CA2573051700.

ClinVar aggregate classification (germline): Uncertain significance. Review status: criteria provided, multiple submitters, no conflicts (2 of 4 stars). 2 submissions from 2 submitters: Uncertain significance (2). Last evaluated 2025-12-21.

Conditions:
Generalized epilepsy with febrile seizures plus, type 2 (GEFSP2). Also called: GEFS+, TYPE 2. Identifiers: Orphanet 36387, MedGen C1858673, MONDO:0011461, OMIM 604403.

Submissions (2):

GeneDx
Classification: Uncertain significance. Last evaluated: 2025-12-21. Review status: criteria provided, single submitter. Criteria: GeneDx Variant Classification Process June 2021. Collection method: clinical testing. Allele origin: germline. Affected: yes.
Comment: Not observed at significant frequency in large population cohorts (gnomAD); In-frame deletion of 1 amino acid in a non-repeat region; In silico analysis supports a deleterious effect on protein structure/function; Has not been previously published as pathogenic or benign to our knowledge; This substitution is predicted to be within the C-terminal cytoplasmic domain

Neuberg Centre For Genomic Medicine, NCGM
Classification: Uncertain significance for Generalized epilepsy with febrile seizures plus, type 2. Last evaluated: 2023-06-22. Review status: criteria provided, single submitter. Criteria: ACMG Guidelines, 2015. Collection method: clinical testing. Allele origin: germline. Inheritance: Autosomal dominant inheritance. Affected: yes.
Comment: The inframe deletion c.5877_5879del (p.Met1959del) in the SCN1A gene has not been reported previously as a pathogenic variant nor as a benign variant, to our knowledge. The variant is absent in the gnomAD Exomes and 1000 Genomes. This variant has been reported to the ClinVar database as Uncertain Significance. However, no details are available for independent assessment. This p.Met1959del causes deletion of amino acid Methionine at position 1959. For these reasons, this variant has been classified as Uncertain Significance.